The following is an entry in ClinVar:

ClinVar aggregate classification (germline): Uncertain significance (1 of 4 stars; one submission).

gnomAD v4.1: 5 of 1,599,452 alleles (0.00031%); highest among the groups gnomAD compares: African/African-American, 0.0027%; no homozygotes.

Submission:

Labcorp Genetics (formerly Invitae), Labcorp
Classification: Uncertain significance. Last evaluated: 2022-08-24. Review status: criteria provided, single submitter. Criteria: Invitae Variant Classification Sherloc (09022015). Collection method: clinical testing. Allele origin: germline.
Comment: In summary, the available evidence is currently insufficient to determine the role of this variant in disease. Therefore, it has been classified as a Variant of Uncertain Significance. Algorithms developed to predict the effect of sequence changes on RNA splicing suggest that this variant may disrupt the consensus splice site. Algorithms developed to predict the effect of missense changes on protein structure and function are either unavailable or do not agree on the potential impact of this missense change (SIFT: "Tolerated"; PolyPhen-2: "Probably Damaging"; Align-GVGD: "Class C0"). This variant has not been reported in the literature in individuals affected with LEMD3-related conditions. The frequency data for this variant in the population databases is considered unreliable, as metrics indicate poor data quality at this position in the gnomAD database. This sequence change replaces aspartic acid, which is acidic and polar, with valine, which is neutral and non-polar, at codon 544 of the LEMD3 protein (p.Asp544Val).

NM_014319.5(LEMD3):c.1631A>T (p.Asp544Val)

Gene: LEMD3 (LEM domain containing 3; plus strand). Cytogenetic location: 12q14.3.
Variant type: single nucleotide variant.
Coding change: c.1631A>T on transcript NM_014319.5 (MANE Select); coding-DNA position 1631, A replaced by T.
Protein change: p.Asp544Val; replaces aspartic acid 544 with valine.
Molecular consequence: missense variant.
Genome position (GRCh38, 1-based): chr12:65,218,555, A>T. VCF-style: chr12-65218555-A-T. GRCh37 (hg19) VCF-style: chr12-65612335-A-T.
Other names: c.1628A>T, p.Asp543Val (NM_001167614.2); short protein forms D544V, D543V.
Identifiers: ClinVar variation 2122181 (VCV002122181.4), dbSNP rs774273011, ClinGen allele CA385677409.